The following is an entry in ClinVar:

NM_000397.4(CYBB):c.674+5G>A

Gene: CYBB (cytochrome b-245 beta chain; plus strand). Cytogenetic location: Xp21.1.
Variant type: single nucleotide variant.
Coding change: c.674+5G>A on transcript NM_000397.4 (MANE Select); 5 bases into the intron after coding-DNA position 674, G replaced by A.
Molecular consequence: intron variant.
Genome position (GRCh38, 1-based): chrX:37,796,146, G>A. VCF-style: chrX-37796146-G-A. GRCh37 (hg19) VCF-style: chrX-37655399-G-A.
Identifiers: ClinVar variation 3724203 (VCV003724203.2).
Genomic context (GRCh38, chrX:37,796,146, plus strand): 5'-TACACACATCATCTCTTTGTGATCTTCTTCATTGGCCTTGCCATCCATGGAGCTGAGTGA[G>A]TGTTTAAATTCTGAAGTGAAGGATTTCATGTCCCTCAATTTCTAGGCAGGATGCTCCATT-3'

ClinVar aggregate classification (germline): Uncertain significance (1 of 4 stars; one submission).

Conditions:
Granulomatous disease, chronic, X-linked. Also called: GRANULOMATOUS DISEASE, CHRONIC, X-LINKED, SOMATIC MOSAIC; CYTOCHROME b-NEGATIVE GRANULOMATOUS DISEASE, CHRONIC, X-LINKED. Identifiers: Orphanet 379, MedGen C1844376, MONDO:0010600, OMIM 306400.

Submission:

Labcorp Genetics (formerly Invitae), Labcorp
Classification: Uncertain significance for Granulomatous disease, chronic, X-linked. Last evaluated: 2024-03-29. Review status: criteria provided, single submitter. Criteria: Invitae Variant Classification Sherloc (09022015). Collection method: clinical testing. Allele origin: germline.
Comment: This sequence change falls in intron 6 of the CYBB gene. It does not directly change the encoded amino acid sequence of the CYBB protein. It affects a nucleotide within the consensus splice site. This variant is not present in population databases (gnomAD no frequency). This variant has been observed in individual(s) with clinical features of chronic granulomatous disease (PMID: 8634410, 34134972). Variants that disrupt the consensus splice site are a relatively common cause of aberrant splicing (PMID: 17576681, 9536098). Algorithms developed to predict the effect of sequence changes on RNA splicing suggest that this variant may disrupt the consensus splice site. In summary, the available evidence is currently insufficient to determine the role of this variant in disease. Therefore, it has been classified as a Variant of Uncertain Significance.

Literature cited by the submitters: PubMed 8634410; PubMed 34134972; PubMed 17576681; PubMed 9536098.